The following is an entry in ClinVar:

NM_000400.4(ERCC2):c.2219G>C (p.Ser740Thr)

Gene: ERCC2 (ERCC excision repair 2, TFIIH core complex helicase subunit; minus strand). Cytogenetic location: 19q13.32.
Variant type: single nucleotide variant.
Coding change: c.2219G>C on transcript NM_000400.4 (MANE Select); coding-DNA position 2219, G replaced by C.
Protein change: p.Ser740Thr; replaces serine 740 with threonine.
Molecular consequence: missense variant.
Genome position (GRCh38, 1-based): chr19:45,351,693, C>G on the plus strand (G>C on the coding strand, the complement: ERCC2 is on the minus strand). VCF-style: chr19-45351693-C-G. GRCh37 (hg19) VCF-style: chr19-45854951-C-G.
Other names: short protein forms S740T.
Identifiers: ClinVar variation 3509893 (VCV003509893.1).

ClinVar aggregate classification (germline): Uncertain significance (1 of 4 stars; one submission).

Conditions:
Inborn genetic diseases. Identifiers: MedGen C0950123, MeSH D030342.

Submission:

Ambry Genetics
Classification: Uncertain significance for Inborn genetic diseases. Last evaluated: 2024-10-28. Review status: criteria provided, single submitter. Criteria: Ambry Variant Classification Scheme 2023. Collection method: clinical testing. Allele origin: germline.
Comment: The p.S740T variant (also known as c.2219G>C), located in coding exon 23 of the ERCC2 gene, results from a G to C substitution at nucleotide position 2219. The serine at codon 740 is replaced by threonine, an amino acid with similar properties. This amino acid position is conserved. In addition, this alteration is predicted to be tolerated by in silico analysis. Based on the available evidence, the clinical significance of this variant remains unclear.